The following is an entry in ClinVar:

ClinVar aggregate classification (germline): Uncertain significance. Review status: criteria provided, multiple submitters, no conflicts (2 of 4 stars). 4 submissions from 3 submitters: Uncertain significance (4). Last evaluated 2023-05-20.

Conditions:
Hereditary diffuse gastric adenocarcinoma (HDGC). Also called: DIFFUSE GASTRIC AND LOBULAR BREAST CANCER SYNDROME. Identifiers: Orphanet 26106, MedGen C1708349, MONDO:0007648, OMIM 137215.
Familial cancer of breast. Also called: hereditary breast carcinoma; Hereditary breast cancer; BREAST CANCER, FAMILIAL. Identifiers: Orphanet 227535, MedGen C0346153, MONDO:0016419, OMIM 114480. Disease mechanism: loss of function.

Allele frequency attached by ClinVar (database versions not stated): ExAC 0.00003; 1000 Genomes Project 30x 0.00016.
gnomAD v4.1: 21 of 1,614,170 alleles (0.0013%); highest among the groups gnomAD compares: South Asian, 0.022%; no homozygotes.

Submissions (4):

Neuberg Centre For Genomic Medicine, NCGM
Classification: Uncertain significance for Familial cancer of breast. Last evaluated: 2023-05-20. Review status: criteria provided, single submitter. Criteria: ACMG Guidelines, 2015. Collection method: clinical testing. Allele origin: germline. Inheritance: Autosomal dominant inheritance. Affected: yes.
Comment: The observed missense c.1250C>T(p.Thr417Ile) variant in RAD54L gene has been reported previously in heterozygous state in individual(s) affected with breast cancer (Mittal et al., 2022). This variant is reported with the allele frequency of 0.002% in the gnomAD Exomes. This variant has been reported to the ClinVar database as Uncertain Significance. However, no details are available for independent assessment. The amino acid Thr at position 417 is changed to a Ile changing protein sequence and it might alter its composition and physico-chemical properties. The amino acid change p.Thr417Ile in RAD54L is predicted as conserved by GERP++ and PhyloP across 100 vertebrates. Multiple lines of computational evidence (Polyphen - Possibly Damaging, SIFT - Damaging, and MutationTaster - Disease causing) predict a damaging effect on protein structure and function for this variant. For these reasons, this variant has been classified as Uncertain Significance.

Ambry Genetics
Classification: Uncertain significance. Last evaluated: 2023-02-02. Review status: criteria provided, single submitter. Criteria: Ambry Variant Classification Scheme 2023. Collection method: clinical testing. Allele origin: germline.
Comment: The p.T417I variant (also known as c.1250C>T), located in coding exon 12 of the RAD54L gene, results from a C to T substitution at nucleotide position 1250. The threonine at codon 417 is replaced by isoleucine, an amino acid with similar properties. This amino acid position is conserved. In addition, this alteration is predicted to be deleterious by in silico analysis. Since supporting evidence is limited at this time, the clinical significance of this alteration remains unclear.

Foundation for Research in Genetics and Endocrinology, FRIGE's Institute of Human Genetics
Classification: Uncertain significance for Familial cancer of breast. Last evaluated: 2022-12-12. Review status: criteria provided, single submitter. Criteria: ACMG Guidelines, 2015. Collection method: clinical testing. Allele origin: germline. Inheritance: Autosomal dominant inheritance. Affected: yes. Observed: 1 heterozygote.
Comment: A heterozygous missense variation in exon 12 of the RAD54L gene that results in the amino acid substitution of Isoleucine for Threonine at codon 417 (p.Thr417Ile) was detected. The p.Thr417Ile variant has not been reported in the 1000 genomes and gnomAD databases. The in silico predictions of the variant are possibly damaging by PolyPhen-2 (HumDiv) and damaging by SIFT, LRT, Mutation Taster2 tools. The reference codon is conserved across species. In summary, the variant meets our criteria to be classified as variant of uncertain significance.

Neuberg Centre For Genomic Medicine, NCGM
Classification: Uncertain significance for Hereditary diffuse gastric adenocarcinoma. Review status: criteria provided, single submitter. Criteria: ACMG Guidelines, 2015. Collection method: clinical testing. Allele origin: germline. Inheritance: Autosomal dominant inheritance. Affected: yes.

NM_003579.4(RAD54L):c.1250C>T (p.Thr417Ile)

Gene: RAD54L (RAD54 like; plus strand). Cytogenetic location: 1p34.1.
Variant type: single nucleotide variant.
Coding change: c.1250C>T on transcript NM_003579.4 (MANE Select); coding-DNA position 1250, C replaced by T.
Protein change: p.Thr417Ile; replaces threonine 417 with isoleucine.
Molecular consequence: missense variant.
Genome position (GRCh38, 1-based): chr1:46,272,677, C>T. VCF-style: chr1-46272677-C-T. GRCh37 (hg19) VCF-style: chr1-46738349-C-T.
Other names: p.Thr417Ile; c.1250C>T (NM_003579.3); c.1250C>T, p.Thr417Ile (NM_001142548.2); c.710C>T, p.Thr237Ile (NM_001370766.1); short protein forms T237I, T417I.
Identifiers: ClinVar variation 2444504 (VCV002444504.4), dbSNP rs765297873, ClinGen allele CA834556.